The following is an entry in ClinVar:

NM_138713.4(NFAT5):c.4241CTC[1] (p.Pro1415del)

Gene: NFAT5 (nuclear factor of activated T cells 5; plus strand). Cytogenetic location: 16q22.1.
Variant type: Microsatellite.
Coding change: c.4241CTC[1] on transcript NM_138713.4 (MANE Select); one copy of the 3-base unit CTC starting at c.4241; the reference has two copies in a row; one copy, 3 bases deleted.
Protein change: p.Pro1415del; deletes proline 1415.
Molecular consequence: inframe deletion.
Genome position (GRCh38, 1-based): chr16:69,694,069-69,694,071, CTC deleted; deleting any 3 consecutive bases within chr16:69,694,066-69,694,071 gives the same sequence; the position shown is the placement nearest the transcript's 3' end. VCF-style (leftmost placement, unchanged base first): chr16-69694065-TCTC-T. GRCh37 (hg19) VCF-style: chr16-69727968-TCTC-T.
Other names: c.4238CTC[1], p.Pro1414del (NM_001113178.3); c.3566CTC[1], p.Pro1190del (NM_001367709.1); c.4187CTC[1], p.Pro1397del (NM_006599.4); c.3959CTC[1], p.Pro1321del (NM_138714.4, NM_173214.3, NM_173215.3); short protein forms P1321del, P1414del, P1190del, P1397del, P1415del.
Identifiers: ClinVar variation 2020419 (VCV002020419.4), dbSNP rs2544255300, ClinGen allele CA2580613899.

ClinVar aggregate classification (germline): Uncertain significance (1 of 4 stars; one submission).

Conditions:
Immunodeficiency. Identifiers: MedGen C0021051, MONDO:0021094, HP:0002721.

Submission:

Labcorp Genetics (formerly Invitae), Labcorp
Classification: Uncertain significance for Immunodeficiency. Last evaluated: 2022-07-30. Review status: criteria provided, single submitter. Criteria: Invitae Variant Classification Sherloc (09022015). Collection method: clinical testing. Allele origin: germline.
Comment: This variant has not been reported in the literature in individuals affected with NFAT5-related conditions. This variant is not present in population databases (gnomAD no frequency). This variant, c.3962_3964del, results in the deletion of 1 amino acid(s) of the NFAT5 protein (p.Pro1321del), but otherwise preserves the integrity of the reading frame. Experimental studies and prediction algorithms are not available or were not evaluated, and the functional significance of this variant is currently unknown. In summary, the available evidence is currently insufficient to determine the role of this variant in disease. Therefore, it has been classified as a Variant of Uncertain Significance.